The following is an entry in ClinVar:

ClinVar aggregate classification (germline): Uncertain significance. Review status: criteria provided, multiple submitters, no conflicts (2 of 4 stars). 3 submissions from 3 submitters: Uncertain significance (3). Last evaluated 2026-08-05.

Conditions:
Endometrial carcinoma. Also called: Endometrial carcinoma, somatic. Identifiers: MedGen C0476089, MONDO:0002447, OMIM 608089, HP:0012114.
Hereditary cancer-predisposing syndrome. Also called: Neoplastic Syndromes, Hereditary; Hereditary Cancer Syndrome; Tumor predisposition; Hereditary neoplastic syndrome. Identifiers: Orphanet 140162, MedGen C0027672, MeSH D009386, MONDO:0015356.

Submissions (3):

Ambry Genetics
Classification: Uncertain significance for Hereditary cancer-predisposing syndrome. Last evaluated: 2026-08-05. Review status: criteria provided, single submitter. Criteria: Ambry Variant Classification Scheme 2023. Collection method: clinical testing. Allele origin: germline.
Comment: The p.D459G variant (also known as c.1376A>G), located in coding exon 9 of the MSH3 gene, results from an A to G substitution at nucleotide position 1376. The aspartic acid at codon 459 is replaced by glycine, an amino acid with similar properties. This amino acid position is conserved. In addition, this alteration is predicted to be tolerated by in silico analysis. Based on the available evidence, the clinical significance of this variant remains unclear.

Labcorp Genetics (formerly Invitae), Labcorp
Classification: Uncertain significance. Last evaluated: 2024-08-05. Review status: criteria provided, single submitter. Criteria: Invitae Variant Classification Sherloc (09022015). Collection method: clinical testing. Allele origin: germline.
Comment: This sequence change replaces aspartic acid, which is acidic and polar, with glycine, which is neutral and non-polar, at codon 459 of the MSH3 protein (p.Asp459Gly). This variant is not present in population databases (gnomAD no frequency). This variant has not been reported in the literature in individuals affected with MSH3-related conditions. ClinVar contains an entry for this variant (Variation ID: 945870). An algorithm developed to predict the effect of missense changes on protein structure and function (PolyPhen-2) suggests that this variant is likely to be tolerated. In summary, the available evidence is currently insufficient to determine the role of this variant in disease. Therefore, it has been classified as a Variant of Uncertain Significance.

Baylor Genetics
Classification: Uncertain significance for Endometrial carcinoma. Last evaluated: 2024-02-07. Review status: criteria provided, single submitter. Criteria: ACMG Guidelines, 2015. Collection method: clinical testing. Allele origin: unknown.

NM_002439.5(MSH3):c.1376A>G (p.Asp459Gly)

Gene: MSH3 (mutS homolog 3; plus strand). Cytogenetic location: 5q14.1.
Variant type: single nucleotide variant.
Coding change: c.1376A>G on transcript NM_002439.5 (MANE Select); coding-DNA position 1376, A replaced by G.
Protein change: p.Asp459Gly; replaces aspartic acid 459 with glycine.
Molecular consequence: missense variant.
Genome position (GRCh38, 1-based): chr5:80,725,488, A>G. VCF-style: chr5-80725488-A-G. GRCh37 (hg19) VCF-style: chr5-80021307-A-G.
Other names: c.1376A>G (NM_002439.3); short protein forms D459G.
Identifiers: ClinVar variation 945870 (VCV000945870.11), dbSNP rs185229240, ClinGen allele CA360273424.